The following is an entry in ClinVar:

ClinVar aggregate classification (germline): Uncertain significance (1 of 4 stars; one submission).

Conditions:
Infantile-onset X-linked spinal muscular atrophy. Also called: Spinal Muscular Atrophy, X-Linked Infantile; Spinal muscular atrophy, X-linked 2; AMC, DISTAL, X-LINKED; ARTHROGRYPOSIS, X-LINKED, TYPE I; SPINAL MUSCULAR ATROPHY, X-LINKED LETHAL INFANTILE. Identifiers: Orphanet 1145, MedGen C1844934, MONDO:0010532, OMIM 301830.

Allele frequency attached by ClinVar (database versions not stated): TOPMed below 0.00001; ExAC 0.00001; gnomAD exomes 0.00001.
gnomAD v4.1: 11 of 1,211,261 alleles (0.00091%); highest among the groups gnomAD compares: East Asian, 0.003%; no homozygotes.

Submission:

Labcorp Genetics (formerly Invitae), Labcorp
Classification: Uncertain significance for Infantile-onset X-linked spinal muscular atrophy. Last evaluated: 2022-12-16. Review status: criteria provided, single submitter. Criteria: Invitae Variant Classification Sherloc (09022015). Collection method: clinical testing. Allele origin: germline.
Comment: Algorithms developed to predict the effect of missense changes on protein structure and function (SIFT, PolyPhen-2, Align-GVGD) all suggest that this variant is likely to be disruptive. This variant has not been reported in the literature in individuals affected with UBA1-related conditions. This variant is present in population databases (rs782524260, gnomAD 0.003%). This sequence change replaces arginine, which is basic and polar, with tryptophan, which is neutral and slightly polar, at codon 880 of the UBA1 protein (p.Arg880Trp). In summary, the available evidence is currently insufficient to determine the role of this variant in disease. Therefore, it has been classified as a Variant of Uncertain Significance.

NM_003334.4(UBA1):c.2638C>T (p.Arg880Trp)

Gene: UBA1 (ubiquitin like modifier activating enzyme 1; plus strand). Cytogenetic location: Xp11.3.
Variant type: single nucleotide variant.
Coding change: c.2638C>T on transcript NM_003334.4 (MANE Select); coding-DNA position 2638, C replaced by T.
Protein change: p.Arg880Trp; replaces arginine 880 with tryptophan.
Molecular consequence: missense variant.
Genome position (GRCh38, 1-based): chrX:47,212,855, C>T. VCF-style: chrX-47212855-C-T. GRCh37 (hg19) VCF-style: chrX-47072254-C-T.
Other names: c.2638C>T, p.Arg880Trp (NM_153280.3); short protein forms R880W.
Identifiers: ClinVar variation 2999234 (VCV002999234.3), dbSNP rs782524260, ClinGen allele CA10396162.